The following is an entry in ClinVar:

NM_001270.4(CHD1):c.2302C>T (p.Pro768Ser)

Gene: CHD1 (chromodomain helicase DNA binding protein 1; minus strand). Cytogenetic location: 5q15.
Variant type: single nucleotide variant.
Coding change: c.2302C>T on transcript NM_001270.4 (MANE Select); coding-DNA position 2302, C replaced by T.
Protein change: p.Pro768Ser; replaces proline 768 with serine.
Molecular consequence: missense variant. On other transcripts: non-coding transcript variant (2).
Genome position (GRCh38, 1-based): chr5:98,889,117, G>A on the plus strand (C>T on the coding strand, the complement: CHD1 is on the minus strand). VCF-style: chr5-98889117-G-A. GRCh37 (hg19) VCF-style: chr5-98224821-G-A.
Other names: c.2302C>T, p.Pro768Ser (NM_001364113.3, NM_001376194.2); short protein forms P768S.
Identifiers: ClinVar variation 3059935 (VCV003059935.2), dbSNP rs1210210931, ClinGen allele CA360514092.

ClinVar aggregate classification (germline): Uncertain significance (0 of 4 stars; one submission).

Conditions:
CHD1-related disorder. Also called: CHD1-related condition.

Submission:

PreventionGenetics, part of Exact Sciences
Classification: Uncertain significance for CHD1-related condition. Last evaluated: 2023-11-22. Review status: no assertion criteria provided. Collection method: clinical testing. Allele origin: germline.
Comment: The CHD1 c.2302C>T variant is predicted to result in the amino acid substitution p.Pro768Ser. To our knowledge, this variant has not been reported in the literature or in a large population database, indicating this variant is rare. At this time, the clinical significance of this variant is uncertain due to the absence of conclusive functional and genetic evidence.